The following is an entry in ClinVar:

ClinVar aggregate classification (germline): Uncertain significance (1 of 4 stars; one submission).

Allele frequency attached by ClinVar (database versions not stated): gnomAD 0.00001; gnomAD exomes 0.00001.

Submission:

Labcorp Genetics (formerly Invitae), Labcorp
Classification: Uncertain significance. Last evaluated: 2025-05-12. Review status: criteria provided, single submitter. Criteria: Invitae Variant Classification Sherloc (09022015). Collection method: clinical testing. Allele origin: germline.
Comment: This sequence change replaces glutamine, which is neutral and polar, with arginine, which is basic and polar, at codon 188 of the PEX3 protein (p.Gln188Arg). This variant is not present in population databases (gnomAD no frequency). This variant has not been reported in the literature in individuals affected with PEX3-related conditions. ClinVar contains an entry for this variant (Variation ID: 1483406). Invitae Evidence Modeling of protein sequence and biophysical properties (such as structural, functional, and spatial information, amino acid conservation, physicochemical variation, residue mobility, and thermodynamic stability) indicates that this missense variant is not expected to disrupt PEX3 protein function with a negative predictive value of 80%. In summary, the available evidence is currently insufficient to determine the role of this variant in disease. Therefore, it has been classified as a Variant of Uncertain Significance.

NM_003630.3(PEX3):c.563A>G (p.Gln188Arg)

Gene: PEX3 (peroxisomal biogenesis factor 3; plus strand). Cytogenetic location: 6q24.2.
Variant type: single nucleotide variant.
Coding change: c.563A>G on transcript NM_003630.3 (MANE Select); coding-DNA position 563, A replaced by G.
Protein change: p.Gln188Arg; replaces glutamine 188 with arginine.
Molecular consequence: missense variant.
Genome position (GRCh38, 1-based): chr6:143,471,596, A>G. VCF-style: chr6-143471596-A-G. GRCh37 (hg19) VCF-style: chr6-143792733-A-G.
Other names: short protein forms Q188R.
Identifiers: ClinVar variation 1483406 (VCV001483406.4), dbSNP rs1780075736, ClinGen allele CA365911114.